The following is an entry in ClinVar:

ClinVar aggregate classification (germline): Uncertain significance. Review status: criteria provided, multiple submitters, no conflicts (2 of 4 stars). 2 submissions from 2 submitters: Uncertain significance (2). Last evaluated 2024-02-01.

Conditions:
Niemann-Pick disease, type B. Also called: Chronic Visceral ASMD (Niemann-Pick Disease Type B; NPD-B). Identifiers: Orphanet 77293, MedGen C0268243, MONDO:0011871, OMIM 607616. Disease mechanism: loss of function.
Niemann-Pick disease, type A. Also called: SPHINGOMYELIN LIPIDOSIS; SPHINGOMYELINASE DEFICIENCY; Infantile Neurovisceral ASMD (Niemann-Pick Disease Type A; NPD-A). Identifiers: Orphanet 77292, MedGen C0268242, MONDO:0009756, OMIM 257200. Disease mechanism: loss of function.

Submissions (2):

CeGaT Center for Human Genetics Tuebingen
Classification: Uncertain significance. Last evaluated: 2024-02-01. Review status: criteria provided, single submitter. Criteria: CeGaT Center For Human Genetics Tuebingen Variant Classification Criteria Version 2. Collection method: clinical testing. Allele origin: germline. Affected: yes. Observed: 1 variant allele.
Comment: SMPD1: PM2, PM4

Labcorp Genetics (formerly Invitae), Labcorp
Classification: Uncertain significance for Niemann-Pick disease, type B; Niemann-Pick disease, type A. Last evaluated: 2022-10-03. Review status: criteria provided, single submitter. Criteria: Invitae Variant Classification Sherloc (09022015). Collection method: clinical testing. Allele origin: germline.
Comment: This variant, c.106_107insCGCTGGCGCTGGCGCTGG, results in the insertion of 6 amino acid(s) of the SMPD1 protein (p.Leu35_Val36insAlaLeuAlaLeuAlaLeu), but otherwise preserves the integrity of the reading frame. This variant is not present in population databases (gnomAD no frequency). This variant has not been reported in the literature in individuals affected with SMPD1-related conditions. Experimental studies and prediction algorithms are not available or were not evaluated, and the functional significance of this variant is currently unknown. In summary, the available evidence is currently insufficient to determine the role of this variant in disease. Therefore, it has been classified as a Variant of Uncertain Significance.

NM_000543.5(SMPD1):c.107CGCTGG[3] (p.Leu35_Val36insAlaLeuAlaLeuAlaLeu)

Gene: SMPD1 (sphingomyelin phosphodiesterase 1; plus strand). Cytogenetic location: 11p15.4.
Variant type: Microsatellite.
Coding change: c.107CGCTGG[3] on transcript NM_000543.5 (MANE Select); three copies in a row of the 6-base unit CGCTGG starting at c.107.
Protein change: p.Leu35_Val36insAlaLeuAlaLeuAlaLeu.
Molecular consequence: inframe insertion. On other transcripts: 5 prime UTR variant (1), non-coding transcript variant (2).
Genome position: GRCh38 VCF-style: chr11-6390700-C-CCTGGCGCTGGCGCTGGCG. GRCh37 (hg19) VCF-style: chr11-6411930-C-CCTGGCGCTGGCGCTGGCG.
Other names: c.107CGCTGG[3], p.Leu35_Val36insAlaLeuAlaLeuAlaLeu (NM_001007593.3, NM_001318087.2, NM_001365135.2); c.-855CGCTGG[3] (NM_001318088.2).
Identifiers: ClinVar variation 2148645 (VCV002148645.23), dbSNP rs1554933800, ClinGen allele CA918811630.